The following is an entry in ClinVar:

NM_001244926.2(PRPF4):c.935A>G (p.Asp312Gly)

Gene: PRPF4 (pre-mRNA splicing tri-snRNP complex factor PRPF4; plus strand). Cytogenetic location: 9q32.
Variant type: single nucleotide variant.
Coding change: c.935A>G on transcript NM_001244926.2 (MANE Select); coding-DNA position 935, A replaced by G.
Protein change: p.Asp312Gly; replaces aspartic acid 312 with glycine.
Molecular consequence: missense variant. On other transcripts: non-coding transcript variant (2).
Genome position (GRCh38, 1-based): chr9:113,288,177, A>G. VCF-style: chr9-113288177-A-G. GRCh37 (hg19) VCF-style: chr9-116050457-A-G.
Other names: c.209A>G, p.Asp70Gly (NM_001322266.2, NM_001322267.2); c.938A>G, p.Asp313Gly (NM_004697.5); short protein forms D312G, D313G, D70G.
Identifiers: ClinVar variation 3775932 (VCV003775932.1).

ClinVar aggregate classification (germline): Uncertain significance (1 of 4 stars; one submission).

Conditions:
Retinitis pigmentosa 70 (RP70). Identifiers: Orphanet 791, MedGen C4014681, MONDO:0014400, OMIM 615922.

Submission:

3billion
Classification: Uncertain significance for Retinitis pigmentosa 70. Last evaluated: 2024-01-09. Review status: criteria provided, single submitter. Criteria: ACMG Guidelines, 2015. Collection method: clinical testing. Allele origin: germline. Affected: yes.
Comment: The variant is not observed in the gnomAD v2.1.1 dataset. Predicted Consequence/Location: Missense changes are a common disease-causing mechanism. Damaging effect on gene or gene product predicted by in silico programs is uncertain [REVEL: 0.52 (damaging >=0.6, benign <0.4)]. Therefore, this variant is classified as VUS according to the recommendation of ACMG/AMP guideline.